The following is an entry in ClinVar:

ClinVar aggregate classification (germline): Benign/Likely benign. Review status: criteria provided, multiple submitters, no conflicts (2 of 4 stars). 5 submissions from 5 submitters: Benign (2); Likely benign (3). Last evaluated 2026-04-10.

Conditions:
OPA1-related disorder. Also called: OPA1-related disorders; OPA1-related condition.

Allele frequency attached by ClinVar (database versions not stated): gnomAD 0.00007 and 0.00006; gnomAD exomes 0.00011 and 0.00056; 1000 Genomes Project 30x 0.00016; 1000 Genomes Project 0.00020; TOPMed 0.00023; ExAC 0.00041.
gnomAD v4.1: 161 of 1,608,582 alleles (0.01%); highest among the groups gnomAD compares: Admixed American, 0.27%; 2 homozygotes.

Submissions (5):

PreventionGenetics, part of Exact Sciences
Classification: Likely benign for OPA1-related condition. Last evaluated: 2026-04-10. Review status: criteria provided, single submitter. Criteria: ACMG Guidelines, 2015. Collection method: clinical testing. Allele origin: germline.
Comment: This variant is classified as likely benign based on ACMG/AMP sequence variant interpretation guidelines (Richards et al. 2015 PMID: 25741868, with internal and published modifications).

Labcorp Genetics (formerly Invitae), Labcorp
Classification: Benign. Last evaluated: 2026-01-19. Review status: criteria provided, single submitter. Criteria: Invitae Variant Classification Sherloc (09022015). Collection method: clinical testing. Allele origin: germline.

Athena Diagnostics
Classification: Benign. Last evaluated: 2024-07-30. Review status: criteria provided, single submitter. Criteria: Athena Diagnostics Criteria. Collection method: clinical testing. Allele origin: unknown.

Blueprint Genetics
Classification: Likely benign. Last evaluated: 2022-09-01. Review status: criteria provided, single submitter. Criteria: ACMG Guidelines, 2015. Collection method: clinical testing. Allele origin: germline.

GeneDx
Classification: Likely benign. Last evaluated: 2016-08-16. Review status: criteria provided, single submitter. Criteria: GeneDx Variant Classification (06012015). Collection method: clinical testing. Allele origin: germline. Affected: yes.
Comment: This variant is considered likely benign or benign based on one or more of the following criteria: it is a conservative change, it occurs at a poorly conserved position in the protein, it is predicted to be benign by multiple in silico algorithms, and/or has population frequency not consistent with disease.

Literature cited by the submitters: PubMed 25449945 (cited by Athena Diagnostics).

NM_130837.3(OPA1):c.1377+10T>C

Gene: OPA1 (OPA1 mitochondrial dynamin like GTPase; plus strand). Cytogenetic location: 3q29.
Variant type: single nucleotide variant.
Coding change: c.1377+10T>C on transcript NM_130837.3 (MANE Select); 10 bases into the intron after coding-DNA position 1377, T replaced by C.
Molecular consequence: intron variant.
Genome position (GRCh38, 1-based): chr3:193,643,454, T>C. VCF-style: chr3-193643454-T-C. GRCh37 (hg19) VCF-style: chr3-193361243-T-C.
Other names: c.840+10T>C (NM_001354664.2); c.843+10T>C (NM_001354663.2); c.1266+10T>C (NM_130834.3); c.1323+10T>C (NM_130836.3); c.1212+10T>C (NM_015560.3); c.1269+10T>C (NM_130835.3); c.1158+10T>C (NM_130832.3); c.1215+10T>C (NM_130833.3); and 2 more.
Identifiers: ClinVar variation 388377 (VCV000388377.15), dbSNP rs200114656, ClinGen allele CA2759358.